The following is an entry in ClinVar:

NM_002241.5(KCNJ10):c.10G>A (p.Val4Ile)

Gene: KCNJ10 (potassium inwardly rectifying channel subfamily J member 10; minus strand). Cytogenetic location: 1q23.2.
Variant type: single nucleotide variant.
Coding change: c.10G>A on transcript NM_002241.5 (MANE Select); coding-DNA position 10, G replaced by A.
Protein change: p.Val4Ile; replaces valine 4 with isoleucine.
Molecular consequence: missense variant.
Genome position (GRCh38, 1-based): chr1:160,042,523, C>T on the plus strand (G>A on the coding strand, the complement: KCNJ10 is on the minus strand). VCF-style: chr1-160042523-C-T. GRCh37 (hg19) VCF-style: chr1-160012313-C-T.
Other names: short protein forms V4I.
Identifiers: ClinVar variation 435552 (VCV000435552.12), dbSNP rs144428351, ClinGen allele CA1193308.

ClinVar aggregate classification (germline): Uncertain significance. Review status: criteria provided, multiple submitters, no conflicts (2 of 4 stars). 4 submissions from 4 submitters: Uncertain significance (4). Last evaluated 2025-12-21.

Conditions:
EAST syndrome (SESAMES). Also called: SEIZURES, SENSORINEURAL DEAFNESS, ATAXIA, IMPAIRED INTELLECTUAL DEVELOPMENT, AND ELECTROLYTE IMBALANCE. Identifiers: Orphanet 199343, MedGen C2748572, MONDO:0013005, OMIM 612780.
Inborn genetic diseases. Identifiers: MedGen C0950123, MeSH D030342.
Autosomal recessive nonsyndromic hearing loss 4 (DFNB4). Also called: Nonsyndromic enlarged vestibular aqueduct (NSEVA); Deafness, autosomal recessive 4, with enlarged vestibular aqueduct; FOXI1-Related Pendred Syndrome; KCNJ10-Related Pendred Syndrome; DEAFNESS, AUTOSOMAL RECESSIVE 4, WITH ENLARGED VESTIBULAR AQUEDUCT, DIGENIC; Enlarged vestibular aqueduct, digenic. Identifiers: Orphanet 90636, MedGen C3538946, MONDO:0010933, OMIM 600791.

Allele frequency attached by ClinVar (database versions not stated): gnomAD exomes 0.00003; ExAC 0.00004; TOPMed 0.00004; ESP Exome Variant Server 0.00008.
gnomAD v4.1: 70 of 1,613,922 alleles (0.0043%); highest among the groups gnomAD compares: Non-Finnish European, 0.0056%; no homozygotes.

Submissions (4):

Labcorp Genetics (formerly Invitae), Labcorp
Classification: Uncertain significance for EAST syndrome. Last evaluated: 2025-12-21. Review status: criteria provided, single submitter. Criteria: Invitae Variant Classification Sherloc (09022015). Collection method: clinical testing. Allele origin: germline.
Comment: This sequence change replaces valine, which is neutral and non-polar, with isoleucine, which is neutral and non-polar, at codon 4 of the KCNJ10 protein (p.Val4Ile). This variant is present in population databases (rs144428351, gnomAD 0.005%). This variant has not been reported in the literature in individuals affected with KCNJ10-related conditions. ClinVar contains an entry for this variant (Variation ID: 435552). Invitae Evidence Modeling of protein sequence and biophysical properties (such as structural, functional, and spatial information, amino acid conservation, physicochemical variation, residue mobility, and thermodynamic stability) indicates that this missense variant is not expected to disrupt KCNJ10 protein function with a negative predictive value of 95%. In summary, the available evidence is currently insufficient to determine the role of this variant in disease. Therefore, it has been classified as a Variant of Uncertain Significance.

Fulgent Genetics
Classification: Uncertain significance for Autosomal recessive nonsyndromic hearing loss 4; EAST syndrome. Last evaluated: 2024-02-10. Review status: criteria provided, single submitter. Criteria: ACMG Guidelines, 2015. Collection method: clinical testing. Allele origin: germline.

Ambry Genetics
Classification: Uncertain significance for Inborn genetic diseases. Last evaluated: 2023-02-08. Review status: criteria provided, single submitter. Criteria: Ambry Variant Classification Scheme 2023. Collection method: clinical testing. Allele origin: germline.

Genetic Services Laboratory, University of Chicago
Classification: Uncertain significance. Last evaluated: 2016-08-22. Review status: criteria provided, single submitter. Criteria: ACMG Guidelines, 2015. Collection method: clinical testing. Allele origin: germline. Affected: no.